The following is an entry in ClinVar:

ClinVar aggregate classification (germline): Benign. Review status: criteria provided, multiple submitters, no conflicts (2 of 4 stars). 3 submissions from 3 submitters: Benign (3). Last evaluated 2026-01-26.

Conditions:
Retinitis pigmentosa (RP). Identifiers: Orphanet 791, MedGen C0035334, MeSH D012174, MONDO:0019200, OMIM 268000. Inheritance: Autosomal dominant, autosomal recessive and X linked inheritance.

Allele frequency attached by ClinVar (database versions not stated): 1000 Genomes Project 0.00280; 1000 Genomes Project 30x 0.00328; ESP Exome Variant Server 0.01107; TOPMed 0.01117; gnomAD 0.01191 and 0.01231; gnomAD exomes 0.01195 and 0.01700; ExAC 0.01197.

Submissions (3):

Labcorp Genetics (formerly Invitae), Labcorp
Classification: Benign. Last evaluated: 2026-01-26. Review status: criteria provided, single submitter. Criteria: Invitae Variant Classification Sherloc (09022015). Collection method: clinical testing. Allele origin: germline.

Illumina Laboratory Services, Illumina
Classification: Benign for Retinitis pigmentosa. Last evaluated: 2018-01-12. Review status: criteria provided, single submitter. Criteria: ICSL Variant Classification Criteria 13 December 2019. Collection method: clinical testing. Allele origin: germline.
Comment: This variant was observed in the ICSL laboratory as part of a predisposition screen in an ostensibly healthy population. It had not been previously curated by ICSL or reported in the Human Gene Mutation Database (HGMD: prior to June 1st, 2018), and was therefore a candidate for classification through an automated scoring system. Utilizing variant allele frequency, disease prevalence and penetrance estimates, and inheritance mode, an automated score was calculated to assess if this variant is too frequent to cause the disease. Based on the score and internal cut-off values, a variant classified as benign is not then subjected to further curation. The score for this variant resulted in a classification of benign for this disease.

Breakthrough Genomics
Classification: Benign. Review status: criteria provided, single submitter. Criteria: ACMG Guidelines, 2015. Collection method: not provided. Allele origin: germline. Inheritance: Autosomal dominant inheritance. Affected: yes.

NM_012469.4(PRPF6):c.1239G>A (p.Leu413=)

Gene: PRPF6 (pre-mRNA processing factor 6; plus strand). Cytogenetic location: 20q13.33.
Variant type: single nucleotide variant.
Coding change: c.1239G>A on transcript NM_012469.4 (MANE Select); coding-DNA position 1239, G replaced by A.
Protein change: p.Leu413=; no amino-acid change (leucine 413 retained).
Molecular consequence: synonymous variant.
Genome position (GRCh38, 1-based): chr20:64,010,252, G>A. VCF-style: chr20-64010252-G-A. GRCh37 (hg19) VCF-style: chr20-62641605-G-A.
Identifiers: ClinVar variation 339473 (VCV000339473.14), dbSNP rs41278236, ClinGen allele CA9972130.